The following is an entry in ClinVar:

ClinVar aggregate classification (germline): Uncertain significance. Review status: criteria provided, multiple submitters, no conflicts (2 of 4 stars). 2 submissions from 2 submitters: Uncertain significance (2). Last evaluated 2025-05-24.

Conditions:
Inborn genetic diseases. Identifiers: MedGen C0950123, MeSH D030342.

gnomAD v4.1: 14 of 1,614,202 alleles (0.00087%); highest among the groups gnomAD compares: Non-Finnish European, 0.001%; no homozygotes.

Submissions (2):

Ambry Genetics
Classification: Uncertain significance for Inborn genetic diseases. Last evaluated: 2025-05-24. Review status: criteria provided, single submitter. Criteria: Ambry Variant Classification Scheme 2023. Collection method: clinical testing. Allele origin: germline.

Labcorp Genetics (formerly Invitae), Labcorp
Classification: Uncertain significance. Last evaluated: 2024-06-05. Review status: criteria provided, single submitter. Criteria: Invitae Variant Classification Sherloc (09022015). Collection method: clinical testing. Allele origin: germline.
Comment: This sequence change replaces serine, which is neutral and polar, with phenylalanine, which is neutral and non-polar, at codon 58 of the PARS2 protein (p.Ser58Phe). This variant is present in population databases (rs372351456, gnomAD 0.0008%). This variant has not been reported in the literature in individuals affected with PARS2-related conditions. An algorithm developed to predict the effect of missense changes on protein structure and function (PolyPhen-2) suggests that this variant¬†is likely to be tolerated. In summary, the available evidence is currently insufficient to determine the role of this variant in disease. Therefore, it has been classified as a Variant of Uncertain Significance.

NM_152268.4(PARS2):c.173C>T (p.Ser58Phe)

Gene: PARS2 (prolyl-tRNA synthetase 2, mitochondrial; minus strand). Cytogenetic location: 1p32.3.
Variant type: single nucleotide variant.
Coding change: c.173C>T on transcript NM_152268.4 (MANE Select); coding-DNA position 173, C replaced by T.
Protein change: p.Ser58Phe; replaces serine 58 with phenylalanine.
Molecular consequence: missense variant.
Genome position (GRCh38, 1-based): chr1:54,758,989, G>A on the plus strand (C>T on the coding strand, the complement: PARS2 is on the minus strand). VCF-style: chr1-54758989-G-A. GRCh37 (hg19) VCF-style: chr1-55224662-G-A.
Other names: c.173C>T (NM_152268.3); short protein forms S58F.
Identifiers: ClinVar variation 3605900 (VCV003605900.2).